The following is an entry in ClinVar:

NM_001972.4(ELANE):c.597C>T (p.Phe199=)

Gene: ELANE (elastase, neutrophil expressed; plus strand). Cytogenetic location: 19p13.3.
Variant type: single nucleotide variant.
Coding change: c.597C>T on transcript NM_001972.4 (MANE Select); coding-DNA position 597, C replaced by T.
Protein change: p.Phe199=; no amino-acid change (phenylalanine 199 retained).
Molecular consequence: synonymous variant.
Genome position (GRCh38, 1-based): chr19:855,794, C>T. VCF-style: chr19-855794-C-T. GRCh37 (hg19) VCF-style: chr19-855794-C-T.
Identifiers: ClinVar variation 2137709 (VCV002137709.4), dbSNP rs531021237, ClinGen allele CA9026103.

ClinVar aggregate classification (germline): Uncertain significance (1 of 4 stars; one submission).

Conditions:
Neutropenia, severe congenital, 1, autosomal dominant. Identifiers: MedGen C1859966, MONDO:0042490, OMIM 202700.
Cyclical neutropenia. Also called: Cyclic hematopoiesis; Cyclic Neutropenia. Identifiers: Orphanet 2686, MedGen C0221023, MONDO:0008090, OMIM 162800, HP:0040289. Disease mechanism: loss of function.

Allele frequency attached by ClinVar (database versions not stated): TOPMed below 0.00001; ExAC 0.00001; gnomAD 0.00001; gnomAD exomes 0.00001; 1000 Genomes Project 30x 0.00016; 1000 Genomes Project 0.00020.
gnomAD v4.1: 10 of 1,608,396 alleles (0.00062%); highest among the groups gnomAD compares: East Asian, 0.011%; no homozygotes.

Submission:

Labcorp Genetics (formerly Invitae), Labcorp
Classification: Uncertain significance for Neutropenia, severe congenital, 1, autosomal dominant; Cyclical neutropenia. Last evaluated: 2025-10-01. Review status: criteria provided, single submitter. Criteria: Invitae Variant Classification Sherloc (09022015). Collection method: clinical testing. Allele origin: germline.
Comment: This sequence change affects codon 199 of the ELANE mRNA. It is a 'silent' change, meaning that it does not change the encoded amino acid sequence of the ELANE protein. It affects a nucleotide within the consensus splice site. This variant is present in population databases (rs531021237, gnomAD 0.02%). This variant has not been reported in the literature in individuals affected with ELANE-related conditions. ClinVar contains an entry for this variant (Variation ID: 2137709). Algorithms developed to predict the effect of sequence changes on RNA splicing suggest that this variant is not likely to affect RNA splicing. In summary, the available evidence is currently insufficient to determine the role of this variant in disease. Therefore, it has been classified as a Variant of Uncertain Significance.